The following is an entry in ClinVar:

ClinVar aggregate classification (germline): Pathogenic (1 of 4 stars; one submission).

Conditions:
Bardet-Biedl syndrome (BBS). Identifiers: Orphanet 110, MedGen C0752166, MONDO:0015229.

Submission:

Labcorp Genetics (formerly Invitae), Labcorp
Classification: Pathogenic for Bardet-Biedl syndrome. Last evaluated: 2024-08-01. Review status: criteria provided, single submitter. Criteria: Invitae Variant Classification Sherloc (09022015). Collection method: clinical testing. Allele origin: germline.
Comment: This sequence change creates a premature translational stop signal (p.Asp309Serfs*26) in the WDPCP gene. It is expected to result in an absent or disrupted protein product. Loss-of-function variants in WDPCP are known to be pathogenic (PMID: 20671153, 25427950, 27158779). This variant is not present in population databases (gnomAD no frequency). This variant has not been reported in the literature in individuals affected with WDPCP-related conditions. ClinVar contains an entry for this variant (Variation ID: 2184993). Algorithms developed to predict the effect of sequence changes on RNA splicing suggest that this variant may create or strengthen a splice site. For these reasons, this variant has been classified as Pathogenic.

Literature cited by the submitters: PubMed 20671153; PubMed 25427950; PubMed 27158779.

NM_015910.7(WDPCP):c.925_931del (p.Asp309fs)

Gene: WDPCP (WD repeat containing planar cell polarity effector; minus strand). Cytogenetic location: 2p15.
Variant type: Deletion.
Coding change: c.925_931del on transcript NM_015910.7 (MANE Select); coding-DNA positions 925 to 931, 7 bases deleted (GACAAAG; older notation c.925_931delGACAAAG).
Protein change: p.Asp309fs; shifts the reading frame from aspartic acid 309.
Molecular consequence: frameshift variant. On other transcripts: non-coding transcript variant (3).
Genome position (GRCh38, 1-based): chr2:63,404,552-63,404,558, CTTTGTC deleted on the plus strand (GACAAAG on the coding strand, the reverse complement: WDPCP is on the minus strand). VCF-style (leftmost placement, unchanged base first): chr2-63404551-TCTTTGTC-T. GRCh37 (hg19) VCF-style: chr2-63631686-TCTTTGTC-T.
Other names: c.448_454del, p.Asp150fs (NM_001042692.3); c.853_859del, p.Asp285fs (NM_001354044.2); c.925_931del, p.Asp309fs (NM_001354045.2); short protein forms D309fs, D285fs, D150fs.
Identifiers: ClinVar variation 2184993 (VCV002184993.2), dbSNP rs1449433208, ClinGen allele CA771109780.